The following is an entry in ClinVar:

NM_000096.4(CP):c.1931G>A (p.Trp644Ter)

Gene: CP (ceruloplasmin; minus strand). Cytogenetic location: 3q24.
Variant type: single nucleotide variant.
Coding change: c.1931G>A on transcript NM_000096.4 (MANE Select); coding-DNA position 1931, G replaced by A.
Protein change: p.Trp644Ter; replaces tryptophan 644 with a stop codon.
Molecular consequence: nonsense.
Genome position (GRCh38, 1-based): chr3:149,186,666, C>T on the plus strand (G>A on the coding strand, the complement: CP is on the minus strand). VCF-style: chr3-149186666-C-T. GRCh37 (hg19) VCF-style: chr3-148904453-C-T.
Other names: short protein forms W644*.
Identifiers: ClinVar variation 2628606 (VCV002628606.1), dbSNP rs1361931808, ClinGen allele CA354932581.
Genomic context (GRCh38, chr3:149,186,666, plus strand): 5'-GTGTTTCCTGAAAAGTATATTCCATGTACATCGGCCTCATTTCCGGCGCTGAATAAGTAC[C>T]ACACGACCGAATCTCCTTTGCACATAGTGAGACCCGGCTGATTCCCATACATGAATCCAT-3'

ClinVar aggregate classification (germline): Likely pathogenic (1 of 4 stars; one submission).

Conditions:
CP-related disorder. Also called: CP-related condition.

Allele frequency attached by ClinVar (database versions not stated): TOPMed below 0.00001; gnomAD 0.00001; gnomAD exomes 0.00001.
gnomAD v4.1: 13 of 1,614,010 alleles (0.00081%); highest among the groups gnomAD compares: Non-Finnish European, 0.0011%; no homozygotes.

Submission:

PreventionGenetics, part of Exact Sciences
Classification: Likely pathogenic for CP-related condition. Last evaluated: 2023-04-02. Review status: criteria provided, single submitter. Criteria: ACMG Guidelines, 2015. Collection method: clinical testing. Allele origin: germline.
Comment: The CP c.1931G>A variant is predicted to result in premature protein termination (p.Trp644*). To our knowledge, this variant has not been reported in the literature. This variant is reported in 0.00088% of alleles in individuals of European (Non-Finnish) descent in gnomAD. Nonsense variants in CP are expected to be pathogenic. This variant is interpreted as likely pathogenic.